The following is an entry in ClinVar:

ClinVar aggregate classification (germline): Pathogenic. Review status: reviewed by expert panel (3 of 4 stars). 4 submissions from 4 submitters: Pathogenic (1). 3 of the submissions do not count toward it. Last evaluated 2016-04-22.

Conditions:
Hereditary cancer-predisposing syndrome. Also called: Tumor predisposition; Neoplastic Syndromes, Hereditary; Hereditary Cancer Syndrome; Hereditary neoplastic syndrome. Identifiers: Orphanet 140162, MedGen C0027672, MeSH D009386, MONDO:0015356.
Hereditary breast ovarian cancer syndrome. Also called: Hereditary breast and ovarian cancer syndrome (HBOC); Hereditary breast and ovarian cancer syndrome; Hereditary breast and ovarian cancer; Hereditary breast and/or ovarian cancer syndrome; Breast and ovarian cancer; BRCA1- and BRCA2-Associated Hereditary Breast and Ovarian Cancer. Identifiers: Orphanet 145, MedGen C0677776, MeSH D061325, MONDO:0003582. Disease mechanism: loss of function.
Breast-ovarian cancer, familial, susceptibility to, 1 (BROVCA1). Also called: OVARIAN CANCER, SUSCEPTIBILITY TO; BRCA1 Hereditary Breast and Ovarian Cancer. Identifiers: Orphanet 145, MedGen C2676676, MONDO:0011450, OMIM 604370. Disease mechanism: loss of function.

Submissions (4):

Evidence-based Network for the Interpretation of Germline Mutant Alleles (ENIGMA)
Classification: Pathogenic for Breast-ovarian cancer, familial, susceptibility to, 1. Last evaluated: 2016-04-22. Review status: reviewed by expert panel. Criteria: ENIGMA BRCA1/2 Classification Criteria (2015). Collection method: curation. Allele origin: germline.
Comment: Variant allele predicted to encode a truncated non-functional protein.

Molecular Diagnostics Laboratory, Catalan Institute of Oncology
Classification: Pathogenic for Hereditary cancer-predisposing syndrome. Last evaluated: 2024-10-30. Review status: criteria provided, single submitter. Criteria: ClinGen BRCA1BRCA2 ACMG Specifications BRCA1 V1.0.0. Collection method: clinical testing. Allele origin: germline. Not counted in ClinVar's aggregate classification.
Comment: PVS1, PM5_Strong c.3155del, located in exon 10 (11 according to BIC nomenclature) of the BRCA1 gene, consists in the deletion of 1 nucleotide, causing a translational frameshift with a predicted alternate stop codon (p.(Asn1052Metfs*10)). This alteration is expected to result in loss of function by premature protein truncation and nonsense-mediated mRNA decay (PVS1, PM5_PTC_Strong). No effect is predicted on splicing by SpliceAI. It is not present in the population database gnomAD v2.1.1, non cancer dataset. To our knowledge, neither relevant clinical data nor well-stablished functional studies have been reported for this variant. However, the variant was identified in the following databases: BRCA Exchange (Pathogenic: Variant allele predicted to encode a truncated non-functional protein), ClinVar (2x pathogenic) and LOVD (2x pathogenic). Based on currently available information, c.3155del should be considered a pathogenic variant according to ClinGen-BRCA1 Guidelines version v1.0.0.

Labcorp Genetics (formerly Invitae), Labcorp
Classification: Pathogenic for Hereditary breast ovarian cancer syndrome. Last evaluated: 2022-04-11. Review status: criteria provided, single submitter. Criteria: Invitae Variant Classification Sherloc (09022015). Collection method: clinical testing. Allele origin: germline. Not counted in ClinVar's aggregate classification.
Comment: This variant is not present in population databases (gnomAD no frequency). This premature translational stop signal has been observed in individual(s) with breast cancer (PMID: 10498392). This variant is also known as 3273delA. ClinVar contains an entry for this variant (Variation ID: 54782). For these reasons, this variant has been classified as Pathogenic. This sequence change creates a premature translational stop signal (p.Asn1052Metfs*10) in the BRCA1 gene. It is expected to result in an absent or disrupted protein product. Loss-of-function variants in BRCA1 are known to be pathogenic (PMID: 20104584).

Consortium of Investigators of Modifiers of BRCA1/2 (CIMBA), c/o University of Cambridge
Classification: Pathogenic for Breast-ovarian cancer, familial, susceptibility to, 1. Last evaluated: 2015-10-02. Review status: criteria provided, single submitter. Criteria: CIMBA Mutation Classification guidelines May 2016. Collection method: clinical testing. Allele origin: germline. Not counted in ClinVar's aggregate classification.

Literature cited by the submitters: PubMed 10498392 (cited by Labcorp Genetics (formerly Invitae), Labcorp); PubMed 20104584 (cited by Labcorp Genetics (formerly Invitae), Labcorp).

NM_007294.4(BRCA1):c.3155del (p.Asn1052fs)

Gene: BRCA1 (BRCA1 DNA repair associated; minus strand). Cytogenetic location: 17q21.31.
Variant type: Deletion.
Coding change: c.3155del on transcript NM_007294.4 (MANE Select); coding-DNA position 3155, one base deleted (A; older notation c.3155delA).
Protein change: p.Asn1052fs; shifts the reading frame from asparagine 1052.
Molecular consequence: frameshift variant. On other transcripts: intron variant (137).
Genome position (GRCh38, 1-based): chr17:43,092,376, T deleted on the plus strand (A on the coding strand, the reverse complement: BRCA1 is on the minus strand); the first of 2 consecutive T bases (chr17:43,092,376-43,092,377); deleting either gives the same sequence. VCF-style (leftmost placement, unchanged base first): chr17-43092375-AT-A. GRCh37 (hg19) VCF-style: chr17-41244392-AT-A.
Other names: 3274delA; c.3155delA (NM_007294.3); c.2942del, p.Asn981fs (NM_001407571.1, NM_001407853.1, NM_001407894.1 and 9 more transcripts); c.3155del, p.Asn1052fs (NM_001407581.1, NM_001407582.1, NM_001407583.1 and 30 more transcripts); c.3152del, p.Asn1051fs (NM_001407587.1, NM_001407590.1, NM_001407591.1 and 22 more transcripts); c.3146del, p.Asn1049fs (NM_001407646.1, NM_001407647.1); c.3032del, p.Asn1011fs (NM_001407648.1, NM_001407664.1, NM_001407665.1 and 19 more transcripts); c.3029del, p.Asn1010fs (NM_001407649.1, NM_001407670.1, NM_001407671.1 and 11 more transcripts); and 43 more; short protein forms N1005fs, N1052fs, N1011fs, N756fs, N925fs, N1004fs, N1010fs, N924fs.
Identifiers: ClinVar variation 54782 (VCV000054782.12), dbSNP rs397509040, ClinGen allele CA002056.